The following is an entry in ClinVar:

ClinVar aggregate classification (germline): Likely benign. Review status: criteria provided, single submitter (1 of 4 stars). 2 submissions from 2 submitters: Likely benign (1). 1 of the submissions does not count toward it. Last evaluated 2024-12-21.

Conditions:
GRWD1-related disorder. Also called: GRWD1-related condition.

Allele frequency attached by ClinVar (database versions not stated): gnomAD exomes 0.00004; ExAC 0.00007; gnomAD 0.00008; TOPMed 0.00008.
gnomAD v4.1: 72 of 1,613,780 alleles (0.0045%); highest among the groups gnomAD compares: Admixed American, 0.022%; no homozygotes.

Submissions (2):

Ambry Genetics
Classification: Likely benign. Last evaluated: 2024-12-21. Review status: criteria provided, single submitter. Criteria: Ambry Variant Classification Scheme 2023. Collection method: clinical testing. Allele origin: germline.

PreventionGenetics, part of Exact Sciences
Classification: Likely benign for GRWD1-related condition. Last evaluated: 2019-12-16. Review status: no assertion criteria provided. Collection method: clinical testing. Allele origin: germline. Not counted in ClinVar's aggregate classification.
Comment: This variant is classified as likely benign based on ACMG/AMP sequence variant interpretation guidelines (Richards et al. 2015 PMID: 25741868, with internal and published modifications).

NM_031485.4(GRWD1):c.849C>T (p.Asp283=)

Gene: GRWD1 (glutamate rich WD repeat containing 1; plus strand). Cytogenetic location: 19q13.33.
Variant type: single nucleotide variant.
Coding change: c.849C>T on transcript NM_031485.4 (MANE Select); coding-DNA position 849, C replaced by T.
Protein change: p.Asp283=; no amino-acid change (aspartic acid 283 retained).
Molecular consequence: synonymous variant.
Genome position (GRCh38, 1-based): chr19:48,451,057, C>T. VCF-style: chr19-48451057-C-T. GRCh37 (hg19) VCF-style: chr19-48954314-C-T.
Identifiers: ClinVar variation 3048326 (VCV003048326.3), dbSNP rs765448597, ClinGen allele CA9551178.